The following is an entry in ClinVar:

ClinVar aggregate classification (germline): Uncertain significance. Review status: criteria provided, multiple submitters, no conflicts (2 of 4 stars). 2 submissions from 2 submitters: Uncertain significance (2). Last evaluated 2025-12-22.

Conditions:
Cardiovascular phenotype. Identifiers: MedGen CN230736.
Progressive familial heart block type IB (PFHB1B). Identifiers: Orphanet 871, MedGen C1970298, MONDO:0011474, OMIM 604559.

Allele frequency attached by ClinVar (database versions not stated): gnomAD exomes below 0.00001; gnomAD 0.00005; TOPMed 0.00005.
gnomAD v4.1: 14 of 1,614,014 alleles (0.00087%); highest among the groups gnomAD compares: African/African-American, 0.013%; no homozygotes.

Submissions (2):

Labcorp Genetics (formerly Invitae), Labcorp
Classification: Uncertain significance for Progressive familial heart block type IB. Last evaluated: 2025-12-22. Review status: criteria provided, single submitter. Criteria: Invitae Variant Classification Sherloc (09022015). Collection method: clinical testing. Allele origin: germline.
Comment: This sequence change replaces serine, which is neutral and polar, with asparagine, which is neutral and polar, at codon 633 of the TRPM4 protein (p.Ser633Asn). This variant is present in population databases (no rsID available, gnomAD 0.007%). This variant has not been reported in the literature in individuals affected with TRPM4-related conditions. ClinVar contains an entry for this variant (Variation ID: 1782205). An algorithm developed to predict the effect of missense changes on protein structure and function outputs the following: PolyPhen-2: "Benign". The asparagine amino acid residue is found in multiple mammalian species, which suggests that this missense change does not adversely affect protein function. In summary, the available evidence is currently insufficient to determine the role of this variant in disease. Therefore, it has been classified as a Variant of Uncertain Significance.

Ambry Genetics
Classification: Uncertain significance for Cardiovascular phenotype. Last evaluated: 2024-03-22. Review status: criteria provided, single submitter. Criteria: Ambry Variant Classification Scheme 2023. Collection method: clinical testing. Allele origin: germline.
Comment: The p.S633N variant (also known as c.1898G>A), located in coding exon 14 of the TRPM4 gene, results from a G to A substitution at nucleotide position 1898. The serine at codon 633 is replaced by asparagine, an amino acid with highly similar properties. This amino acid position is well conserved in available vertebrate species; however, asparagine is the reference amino acid in other vertebrate species. In addition, this alteration is predicted to be tolerated by in silico analysis. Since supporting evidence is limited at this time, the clinical significance of this alteration remains unclear.

NM_017636.4(TRPM4):c.1898G>A (p.Ser633Asn)

Gene: TRPM4 (transient receptor potential cation channel subfamily M member 4; plus strand). Cytogenetic location: 19q13.33.
Variant type: single nucleotide variant.
Coding change: c.1898G>A on transcript NM_017636.4 (MANE Select); coding-DNA position 1898, G replaced by A.
Protein change: p.Ser633Asn; replaces serine 633 with asparagine.
Molecular consequence: missense variant.
Genome position (GRCh38, 1-based): chr19:49,188,970, G>A. VCF-style: chr19-49188970-G-A. GRCh37 (hg19) VCF-style: chr19-49692227-G-A.
Other names: c.1898G>A, p.Ser633Asn (NM_001195227.2); c.1553G>A, p.Ser518Asn (NM_001321281.2); c.290G>A, p.Ser97Asn (NM_001321282.2); c.1376G>A, p.Ser459Asn (NM_001321283.2); c.836G>A, p.Ser279Asn (NM_001321285.2); short protein forms S97N, S518N, S633N, S279N, S459N.
Identifiers: ClinVar variation 1782205 (VCV001782205.8), dbSNP rs917473038, ClinGen allele CA309447016.